The following is an entry in ClinVar:

NM_001854.4(COL11A1):c.4033-1G>C

Gene: COL11A1 (collagen type XI alpha 1 chain; minus strand). Cytogenetic location: 1p21.1.
Variant type: single nucleotide variant.
Coding change: c.4033-1G>C on transcript NM_001854.4 (MANE Select); the canonical splice acceptor site of the intron before coding-DNA position 4033, G replaced by C.
Molecular consequence: splice acceptor variant.
Genome position (GRCh38, 1-based): chr1:102,912,213, C>G on the plus strand (G>C on the coding strand, the complement: COL11A1 is on the minus strand). VCF-style: chr1-102912213-C-G. GRCh37 (hg19) VCF-style: chr1-103377769-C-G.
Other names: c.3916-1G>C (NM_001190709.2); c.4069-1G>C (NM_080629.3); c.3685-1G>C (NM_080630.4).
Identifiers: ClinVar variation 1468081 (VCV001468081.6), dbSNP rs2101017052, ClinGen allele CA341160253.

ClinVar aggregate classification (germline): Likely pathogenic (1 of 4 stars; one submission).

Submission:

Labcorp Genetics (formerly Invitae), Labcorp
Classification: Likely pathogenic. Last evaluated: 2025-02-03. Review status: criteria provided, single submitter. Criteria: Invitae Variant Classification Sherloc (09022015). Collection method: clinical testing. Allele origin: germline.
Comment: This sequence change affects an acceptor splice site in intron 53 of the COL11A1 gene. It is expected to disrupt RNA splicing. Variants that disrupt the donor or acceptor splice site typically lead to a loss of protein function (PMID: 16199547), and loss-of-function variants in COL11A1 are known to be pathogenic (PMID: 20513134, 21035103, 23922384, 25240749, 32427345, 32756486). This variant is not present in population databases (gnomAD no frequency). Disruption of this splice site has been observed in individual(s) with clinical features of autosomal dominant Stickler syndrome (PMID: 17236192). ClinVar contains an entry for this variant (Variation ID: 1468081). Algorithms developed to predict the effect of sequence changes on RNA splicing suggest that this variant may disrupt the consensus splice site. In summary, the currently available evidence indicates that the variant is pathogenic, but additional data are needed to prove that conclusively. Therefore, this variant has been classified as Likely Pathogenic.

Literature cited by the submitters: PubMed 16199547; PubMed 20513134; PubMed 21035103; PubMed 23922384; PubMed 25240749; PubMed 32427345; PubMed 32756486; PubMed 17236192.